The following is an entry in ClinVar:

NM_001267550.2(TTN):c.40633+132del

Gene: TTN (titin; minus strand). Cytogenetic location: 2q31.2.
Variant type: Deletion.
Coding change: c.40633+132del on transcript NM_001267550.2 (MANE Select); 132 bases into the intron after coding-DNA position 40633, one base deleted (G; older notation c.40633+132delG).
Molecular consequence: intron variant.
Genome position (GRCh38, 1-based): chr2:178,641,109, C deleted on the plus strand (G on the coding strand, the reverse complement: TTN is on the minus strand). VCF-style (leftmost placement, unchanged base first): chr2-178641108-AC-A. GRCh37 (hg19) VCF-style: chr2-179505835-AC-A.
Other names: c.13438+132del (NM_003319.4); c.14014+132del (NM_133437.4); c.13813+132del (NM_133432.3); c.32929+132del (NM_133378.4); c.35710+132del (NM_001256850.1); c.35710+132delG (NM_001256850.1).
Identifiers: ClinVar variation 674550 (VCV000674550.1), dbSNP rs149145209, ClinGen allele CA61009914.

ClinVar aggregate classification (germline): Likely benign (1 of 4 stars; one submission).

Allele frequency attached by ClinVar (database versions not stated): 1000 Genomes Project 30x 0.00750; 1000 Genomes Project 0.00799; TOPMed 0.00905; gnomAD 0.00923 and 0.00970; gnomAD exomes 0.01361.

Submission:

GeneDx
Classification: Likely benign. Last evaluated: 2018-06-14. Review status: criteria provided, single submitter. Criteria: GeneDx Variant Classification (06012015). Collection method: clinical testing. Allele origin: germline. Affected: yes.
Comment: This variant is considered likely benign or benign based on one or more of the following criteria: it is a conservative change, it occurs at a poorly conserved position in the protein, it is predicted to be benign by multiple in silico algorithms, and/or has population frequency not consistent with disease.